The following is an entry in ClinVar:

ClinVar aggregate classification (germline): Uncertain significance. Review status: criteria provided, multiple submitters, no conflicts (2 of 4 stars). 2 submissions from 2 submitters: Uncertain significance (2). Last evaluated 2024-01-31.

Conditions:
Ellis-van Creveld syndrome (EVC). Also called: EVC-Related Ellis-van Creveld Syndrome; EVC2-Related Ellis-van Creveld Syndrome; Chondroectodermal dysplasia; MESOECTODERMAL DYSPLASIA. Identifiers: Orphanet 289, MedGen C0013903, MONDO:0009162, OMIM 225500.
Curry-Hall syndrome (WAD). Also called: WEYERS ACRODENTAL DYSOSTOSIS. Identifiers: Orphanet 952, MedGen C0457013, MONDO:0008673, OMIM 193530.
Inborn genetic diseases. Identifiers: MedGen C0950123, MeSH D030342.

Submissions (2):

Ambry Genetics
Classification: Uncertain significance for Inborn genetic diseases. Last evaluated: 2024-01-31. Review status: criteria provided, single submitter. Criteria: Ambry Variant Classification Scheme 2023. Collection method: clinical testing. Allele origin: germline.

Labcorp Genetics (formerly Invitae), Labcorp
Classification: Uncertain significance for Curry-Hall syndrome; Ellis-van Creveld syndrome. Last evaluated: 2022-03-31. Review status: criteria provided, single submitter. Criteria: Invitae Variant Classification Sherloc (09022015). Collection method: clinical testing. Allele origin: germline.
Comment: This sequence change replaces arginine, which is basic and polar, with histidine, which is basic and polar, at codon 702 of the EVC protein (p.Arg702His). The frequency data for this variant in the population databases is considered unreliable, as metrics indicate poor data quality at this position in the gnomAD database. This variant has not been reported in the literature in individuals affected with EVC-related conditions. Algorithms developed to predict the effect of missense changes on protein structure and function are either unavailable or do not agree on the potential impact of this missense change (SIFT: "Tolerated"; PolyPhen-2: "Probably Damaging"; Align-GVGD: "Class C0"). In summary, the available evidence is currently insufficient to determine the role of this variant in disease. Therefore, it has been classified as a Variant of Uncertain Significance.

NM_153717.3(EVC):c.2105G>A (p.Arg702His)

Gene: EVC (EvC ciliary complex subunit 1; plus strand). Cytogenetic location: 4p16.2.
Variant type: single nucleotide variant.
Coding change: c.2105G>A on transcript NM_153717.3 (MANE Select); coding-DNA position 2105, G replaced by A.
Protein change: p.Arg702His; replaces arginine 702 with histidine.
Molecular consequence: missense variant.
Genome position (GRCh38, 1-based): chr4:5,798,593, G>A. VCF-style: chr4-5798593-G-A. GRCh37 (hg19) VCF-style: chr4-5800320-G-A.
Other names: c.2105G>A (NM_153717.2); c.2105G>A, p.Arg702His (NM_001306090.2); short protein forms R702H.
Identifiers: ClinVar variation 2194410 (VCV002194410.2), dbSNP rs200899957, ClinGen allele CA356144781.